The following is an entry in ClinVar:

ClinVar aggregate classification (germline): Uncertain significance. Review status: criteria provided, multiple submitters, no conflicts (2 of 4 stars). 2 submissions from 2 submitters: Uncertain significance (2). Last evaluated 2025-02-08.

Conditions:
Inborn genetic diseases. Identifiers: MedGen C0950123, MeSH D030342.
Baller-Gerold syndrome (BGS). Also called: CRANIOSYNOSTOSIS WITH RADIAL DEFECTS. Identifiers: Orphanet 1225, MedGen C0265308, MONDO:0009039, OMIM 218600.

Submissions (2):

Ambry Genetics
Classification: Uncertain significance for Inborn genetic diseases. Last evaluated: 2025-02-08. Review status: criteria provided, single submitter. Criteria: Ambry Variant Classification Scheme 2023. Collection method: clinical testing. Allele origin: germline.
Comment: The p.A1066T variant (also known as c.3196G>A), located in coding exon 18 of the RECQL4 gene, results from a G to A substitution at nucleotide position 3196. The alanine at codon 1066 is replaced by threonine, an amino acid with similar properties. This amino acid position is conserved. Based on the available evidence, the clinical significance of this variant remains unclear.

Labcorp Genetics (formerly Invitae), Labcorp
Classification: Uncertain significance for Baller-Gerold syndrome. Last evaluated: 2024-04-30. Review status: criteria provided, single submitter. Criteria: Invitae Variant Classification Sherloc (09022015). Collection method: clinical testing. Allele origin: germline.
Comment: This sequence change replaces alanine, which is neutral and non-polar, with threonine, which is neutral and polar, at codon 1066 of the RECQL4 protein (p.Ala1066Thr). This variant is not present in population databases (gnomAD no frequency). This variant has not been reported in the literature in individuals affected with RECQL4-related conditions. ClinVar contains an entry for this variant (Variation ID: 863197). Advanced modeling of protein sequence and biophysical properties (such as structural, functional, and spatial information, amino acid conservation, physicochemical variation, residue mobility, and thermodynamic stability) performed at Invitae indicates that this missense variant is not expected to disrupt RECQL4 protein function with a negative predictive value of 80%. In summary, the available evidence is currently insufficient to determine the role of this variant in disease. Therefore, it has been classified as a Variant of Uncertain Significance.

NM_004260.4(RECQL4):c.3196G>A (p.Ala1066Thr)

Gene: RECQL4 (RecQ like helicase 4; minus strand). Cytogenetic location: 8q24.3.
Variant type: single nucleotide variant.
Coding change: c.3196G>A on transcript NM_004260.4 (MANE Select); coding-DNA position 3196, G replaced by A.
Protein change: p.Ala1066Thr; replaces alanine 1066 with threonine.
Molecular consequence: missense variant.
Genome position (GRCh38, 1-based): chr8:144,512,184, C>T on the plus strand (G>A on the coding strand, the complement: RECQL4 is on the minus strand). VCF-style: chr8-144512184-C-T. GRCh37 (hg19) VCF-style: chr8-145737567-C-T.
Other names: short protein forms A1066T.
Identifiers: ClinVar variation 863197 (VCV000863197.7), dbSNP rs1564789456, ClinGen allele CA372669922.